The following is an entry in ClinVar:

ClinVar aggregate classification (germline): Uncertain significance. Review status: criteria provided, multiple submitters, no conflicts (2 of 4 stars). 2 submissions from 2 submitters: Uncertain significance (2). Last evaluated 2023-06-15.

Conditions:
Hereditary diffuse gastric adenocarcinoma (HDGC). Also called: DIFFUSE GASTRIC AND LOBULAR BREAST CANCER SYNDROME. Identifiers: Orphanet 26106, MedGen C1708349, MONDO:0007648, OMIM 137215.
Hereditary cancer-predisposing syndrome. Also called: Hereditary neoplastic syndrome; Tumor predisposition; Neoplastic Syndromes, Hereditary; Hereditary Cancer Syndrome. Identifiers: Orphanet 140162, MedGen C0027672, MeSH D009386, MONDO:0015356.

Submissions (2):

Ambry Genetics
Classification: Uncertain significance for Hereditary cancer-predisposing syndrome. Last evaluated: 2023-06-15. Review status: criteria provided, single submitter. Criteria: Ambry Variant Classification Scheme 2023. Collection method: clinical testing. Allele origin: germline.
Comment: The p.D198V variant (also known as c.593A>T), located in coding exon 5 of the CDH1 gene, results from an A to T substitution at nucleotide position 593. The aspartic acid at codon 198 is replaced by valine, an amino acid with highly dissimilar properties. This amino acid position is well conserved in available vertebrate species. In addition, this alteration is predicted to be deleterious by in silico analysis. Since supporting evidence is limited at this time, the clinical significance of this alteration remains unclear.

Labcorp Genetics (formerly Invitae), Labcorp
Classification: Uncertain significance for Hereditary diffuse gastric adenocarcinoma. Last evaluated: 2022-12-03. Review status: criteria provided, single submitter. Criteria: Invitae Variant Classification Sherloc (09022015). Collection method: clinical testing. Allele origin: germline.
Comment: In summary, the available evidence is currently insufficient to determine the role of this variant in disease. Therefore, it has been classified as a Variant of Uncertain Significance. Algorithms developed to predict the effect of missense changes on protein structure and function (SIFT, PolyPhen-2, Align-GVGD) all suggest that this variant is likely to be disruptive. ClinVar contains an entry for this variant (Variation ID: 1719113). This variant has not been reported in the literature in individuals affected with CDH1-related conditions. This variant is not present in population databases (gnomAD no frequency). This sequence change replaces aspartic acid, which is acidic and polar, with valine, which is neutral and non-polar, at codon 198 of the CDH1 protein (p.Asp198Val).

NM_004360.5(CDH1):c.593A>T (p.Asp198Val)

Gene: CDH1 (cadherin 1; plus strand). Cytogenetic location: 16q22.1.
Variant type: single nucleotide variant.
Coding change: c.593A>T on transcript NM_004360.5 (MANE Select); coding-DNA position 593, A replaced by T.
Protein change: p.Asp198Val; replaces aspartic acid 198 with valine.
Molecular consequence: missense variant. On other transcripts: 5 prime UTR variant (2).
Genome position (GRCh38, 1-based): chr16:68,808,754, A>T. VCF-style: chr16-68808754-A-T. GRCh37 (hg19) VCF-style: chr16-68842657-A-T.
Other names: c.593A>T, p.Asp198Val (NM_001317184.2); c.-1023A>T (NM_001317185.2); c.-1227A>T (NM_001317186.2); short protein forms D198V.
Identifiers: ClinVar variation 1719113 (VCV001719113.8), dbSNP rs2152130154, ClinGen allele CA396457977.